The following is an entry in ClinVar:

NM_000203.5(IDUA):c.306del (p.Thr103fs)

Gene: IDUA (alpha-L-iduronidase; plus strand). Cytogenetic location: 4p16.3.
Variant type: Deletion.
Coding change: c.306del on transcript NM_000203.5 (MANE Select); coding-DNA position 306, one base deleted (C; older notation c.306delC).
Protein change: p.Thr103fs; shifts the reading frame from threonine 103.
Molecular consequence: frameshift variant. On other transcripts: 5 prime UTR variant (1), non-coding transcript variant (1).
Genome position (GRCh38, 1-based): chr4:1,000,618, C deleted; the last of 2 consecutive C bases (chr4:1,000,617-1,000,618); deleting either gives the same sequence. VCF-style (leftmost placement, unchanged base first): chr4-1000616-TC-T. GRCh37 (hg19) VCF-style: chr4-994404-TC-T.
Other names: c.-91del (NM_001363576.1); c.306delC (NM_000203.4); short protein forms T103fs.
Identifiers: ClinVar variation 962814 (VCV000962814.10), dbSNP rs1461124319, ClinGen allele CA549265043.
Genomic context (GRCh38, chr4:1,000,616, plus strand): 5'-TGGAGCATGGAGCTGTGTGGGCACCCTGCTTCCTGACGCTGACCGTCCTTCTGCAGGGGG[TC>T]CACTGGACGGGGCCTGAGCTACAACTTCACCCACCTGGACGGGTACCTGGACCTTCTCAG-3'

ClinVar aggregate classification (germline): Pathogenic/Likely pathogenic. Review status: criteria provided, multiple submitters, no conflicts (2 of 4 stars). 3 submissions from 3 submitters: Pathogenic (1); Likely pathogenic (2). Last evaluated 2025-09-24.

Conditions:
Mucopolysaccharidosis type 1. Also called: Mucopolysaccharidosis Type I; IDUA deficiency; MPS I. Identifiers: Orphanet 579, MedGen C0023786, MONDO:0001586.

Submissions (3):

Natera, Inc.
Classification: Likely pathogenic for Mucopolysaccharidosis type I. Last evaluated: 2025-09-24. Review status: criteria provided, single submitter. Criteria: Natera Variant Classification Schema (03/2026). Collection method: clinical testing. Allele origin: germline.
Comment: The c.306delC variant in IDUA is a frameshift variant predicted to shift the reading frame beginning at codon 103 and leads to a stop codon 5 codons downstream. This variant is expected to result in nonsense mediated decay, truncation, or a dysfunctional protein product. This variant is rare in the general population with a frequency below the threshold expected for the associated phenotype(s). Given the available evidence, this variant is classified as Likely Pathogenic.

Women's Health and Genetics/Laboratory Corporation of America, LabCorp
Classification: Likely pathogenic for Mucopolysaccharidosis type 1. Last evaluated: 2022-08-19. Review status: criteria provided, single submitter. Criteria: LabCorp Variant Classification Summary - May 2015. Collection method: clinical testing. Allele origin: germline.
Comment: Variant summary: IDUA c.306delC (p.Thr103LeufsX5) results in a premature termination codon, predicted to cause a truncation of the encoded protein or absence of the protein due to nonsense mediated decay, which are commonly known mechanisms for disease. Truncations downstream of this position have been classified as pathogenic by our laboratory. The variant was absent in 250140 control chromosomes (gnomAD). To our knowledge, no occurrence of c.306delC in individuals affected with Mucopolysaccharidosis Type 1 and no experimental evidence demonstrating its impact on protein function have been reported. One clinical diagnostic laboratory has submitted a clinical-significance assessment for this variant to ClinVar after 2014 and classified the variant as pathogenic. Based on the evidence outlined above, the variant was classified as likely pathogenic.

Labcorp Genetics (formerly Invitae), Labcorp
Classification: Pathogenic for Mucopolysaccharidosis type 1. Last evaluated: 2022-02-02. Review status: criteria provided, single submitter. Criteria: Invitae Variant Classification Sherloc (09022015). Collection method: clinical testing. Allele origin: germline.
Comment: ClinVar contains an entry for this variant (Variation ID: 962814). This variant has not been reported in the literature in individuals affected with IDUA-related conditions. This variant is not present in population databases (gnomAD no frequency). This sequence change creates a premature translational stop signal (p.Thr103Leufs*5) in the IDUA gene. It is expected to result in an absent or disrupted protein product. Loss-of-function variants in IDUA are known to be pathogenic (PMID: 11735025, 21480867). For these reasons, this variant has been classified as Pathogenic.

Literature cited by the submitters: PubMed 11735025 (cited by Labcorp Genetics (formerly Invitae), Labcorp); PubMed 21480867 (cited by Labcorp Genetics (formerly Invitae), Labcorp).